The following is an entry in ClinVar:

ClinVar aggregate classification (germline): Benign/Likely benign. Review status: criteria provided, multiple submitters, no conflicts (2 of 4 stars). 3 submissions from 3 submitters: Benign (2); Likely benign (1). Last evaluated 2026-01-04.

Conditions:
Cone-rod dystrophy 7 (CORD7). Identifiers: Orphanet 1872, MedGen C1863634, MONDO:0011355, OMIM 603649.

Allele frequency attached by ClinVar (database versions not stated): ExAC 0.00041; gnomAD exomes 0.00041; 1000 Genomes Project 30x 0.00172; 1000 Genomes Project 0.00180; gnomAD 0.00180 and 0.00192; ESP Exome Variant Server 0.00185; TOPMed 0.00197.
gnomAD v4.1: 498 of 1,425,746 alleles (0.035%); highest among the groups gnomAD compares: African/African-American, 0.63%; 1 homozygote.

Submissions (3):

Labcorp Genetics (formerly Invitae), Labcorp
Classification: Benign. Last evaluated: 2026-01-04. Review status: criteria provided, single submitter. Criteria: Invitae Variant Classification Sherloc (09022015). Collection method: clinical testing. Allele origin: germline.

Blueprint Genetics
Classification: Likely benign. Last evaluated: 2024-11-25. Review status: criteria provided, single submitter. Criteria: ACMG Guidelines, 2015. Collection method: clinical testing. Allele origin: germline.

Illumina Laboratory Services, Illumina
Classification: Benign for Cone-rod dystrophy 7. Last evaluated: 2018-01-13. Review status: criteria provided, single submitter. Criteria: ICSL Variant Classification Criteria 13 December 2019. Collection method: clinical testing. Allele origin: germline.
Comment: This variant was observed in the ICSL laboratory as part of a predisposition screen in an ostensibly healthy population. It had not been previously curated by ICSL or reported in the Human Gene Mutation Database (HGMD: prior to June 1st, 2018), and was therefore a candidate for classification through an automated scoring system. Utilizing variant allele frequency, disease prevalence and penetrance estimates, and inheritance mode, an automated score was calculated to assess if this variant is too frequent to cause the disease. Based on the score and internal cut-off values, a variant classified as benign is not then subjected to further curation. The score for this variant resulted in a classification of benign for this disease.

NM_014989.7(RIMS1):c.3308+12T>G

Gene: RIMS1 (regulating synaptic membrane exocytosis 1; plus strand). Cytogenetic location: 6q13.
Variant type: single nucleotide variant.
Coding change: c.3308+12T>G on transcript NM_014989.7 (MANE Select); 12 bases into the intron after coding-DNA position 3308, T replaced by G.
Molecular consequence: intron variant.
Genome position (GRCh38, 1-based): chr6:72,265,515, T>G. VCF-style: chr6-72265515-T-G. GRCh37 (hg19) VCF-style: chr6-72975218-T-G.
Other names: c.1470-445T>G (NM_001350428.2, NM_001350459.2, NM_001350424.2 and 1 more transcripts); c.1467-445T>G (NM_001350437.2, NM_001350430.2, NM_001350421.2 and 1 more transcripts); c.1617-445T>G (NM_001350458.2); c.1539-445T>G (NM_001350433.2, NM_001350446.2, NM_001350442.2 and 8 more transcripts); c.1538+4748T>G (NM_001350431.2); c.1476-445T>G (NM_001350457.2); c.1475+6404T>G (NM_001350460.2, NM_001350426.2, NM_001350429.2 and 1 more transcripts); c.1727+12T>G (NM_001350436.2); and 14 more.
Identifiers: ClinVar variation 911159 (VCV000911159.13), dbSNP rs115294253, ClinGen allele CA3886201.